The following is an entry in ClinVar:

ClinVar aggregate classification (germline): Benign. Review status: criteria provided, multiple submitters, no conflicts (2 of 4 stars). 3 submissions from 3 submitters: Benign (2). 1 of the submissions does not count toward it. Last evaluated 2025-12-24.

Conditions:
Basal cell nevus syndrome 1 (BCNS1). Also called: GORLIN-GOLTZ SYNDROME; MULTIPLE BASAL CELL NEVI, ODONTOGENIC KERATOCYSTS, AND SKELETAL ANOMALIES. Identifiers: MedGen CN376810, MONDO:0958174, OMIM 109400.
Gorlin syndrome. Also called: Nevoid Basal Cell Carcinoma Syndrome; Basal cell nevus syndrome. Identifiers: Orphanet 377, MedGen C0004779, MONDO:0007187.
PTCH2-related disorder. Also called: PTCH2-related condition; PTCH2-related disease.

Allele frequency attached by ClinVar (database versions not stated): gnomAD exomes 0.00009 and 0.00024; ExAC 0.00039; gnomAD 0.00094 and 0.00103; 1000 Genomes Project 0.00100; 1000 Genomes Project 30x 0.00109; TOPMed 0.00112; ESP Exome Variant Server 0.00138.
gnomAD v4.1: 279 of 1,610,746 alleles (0.017%); highest among the groups gnomAD compares: African/African-American, 0.34%; 1 homozygote.

Submissions (3):

Labcorp Genetics (formerly Invitae), Labcorp
Classification: Benign for Gorlin syndrome. Last evaluated: 2025-12-24. Review status: criteria provided, single submitter. Criteria: Invitae Variant Classification Sherloc (09022015). Collection method: clinical testing. Allele origin: germline.

KCCC/NGS Laboratory, Kuwait Cancer Control Center
Classification: Benign for Basal cell nevus syndrome 1. Last evaluated: 2025-02-01. Review status: criteria provided, single submitter. Criteria: ACMG Guidelines, 2015. Collection method: clinical testing. Allele origin: germline. Affected: no.

PreventionGenetics, part of Exact Sciences
Classification: Likely benign for PTCH2-related condition. Last evaluated: 2020-02-12. Review status: no assertion criteria provided. Collection method: clinical testing. Allele origin: germline. Not counted in ClinVar's aggregate classification.
Comment: This variant is classified as likely benign based on ACMG/AMP sequence variant interpretation guidelines (Richards et al. 2015 PMID: 25741868, with internal and published modifications).

NM_003738.5(PTCH2):c.622C>T (p.Arg208Cys)

Gene: PTCH2 (patched 2; minus strand). Cytogenetic location: 1p34.1.
Variant type: single nucleotide variant.
Coding change: c.622C>T on transcript NM_003738.5 (MANE Select); coding-DNA position 622, C replaced by T.
Protein change: p.Arg208Cys; replaces arginine 208 with cysteine.
Molecular consequence: missense variant.
Genome position (GRCh38, 1-based): chr1:44,831,039, G>A on the plus strand (C>T on the coding strand, the complement: PTCH2 is on the minus strand). VCF-style: chr1-44831039-G-A. GRCh37 (hg19) VCF-style: chr1-45296711-G-A.
Other names: c.622C>T, p.Arg208Cys (NM_001166292.2); short protein forms R208C.
Identifiers: ClinVar variation 415456 (VCV000415456.14), dbSNP rs149379394, ClinGen allele CA823562.